The following is an entry in ClinVar:

NM_001194998.2(CEP152):c.2018+250G>C

Gene: CEP152 (centrosomal protein 152; minus strand). Cytogenetic location: 15q21.1.
Variant type: single nucleotide variant.
Coding change: c.2018+250G>C on transcript NM_001194998.2 (MANE Select); 250 bases into the intron after coding-DNA position 2018, G replaced by C.
Molecular consequence: intron variant.
Genome position (GRCh38, 1-based): chr15:48,767,969, C>G on the plus strand (G>C on the coding strand, the complement: CEP152 is on the minus strand). VCF-style: chr15-48767969-C-G. GRCh37 (hg19) VCF-style: chr15-49060166-C-G.
Other names: c.2018+250G>C (NM_014985.4).
Identifiers: ClinVar variation 669815 (VCV000669815.1), dbSNP rs8037963, ClinGen allele CA14177503.

ClinVar aggregate classification (germline): Benign (1 of 4 stars; one submission).

Allele frequency attached by ClinVar (database versions not stated): gnomAD 0.33654 and 0.33670; TOPMed 0.37007; 1000 Genomes Project 0.47284; 1000 Genomes Project 30x 0.47611.
gnomAD v4.1: 50,956 of 151,980 alleles (34%); highest among the groups gnomAD compares: African/African-American, 63%; 12,019 homozygotes.

Submission:

GeneDx
Classification: Benign. Last evaluated: 2018-06-16. Review status: criteria provided, single submitter. Criteria: GeneDx Variant Classification (06012015). Collection method: clinical testing. Allele origin: germline. Affected: yes.
Comment: This variant is considered likely benign or benign based on one or more of the following criteria: it is a conservative change, it occurs at a poorly conserved position in the protein, it is predicted to be benign by multiple in silico algorithms, and/or has population frequency not consistent with disease.